The following is an entry in ClinVar:

NM_015295.3(SMCHD1):c.3106G>A (p.Val1036Ile)

Gene: SMCHD1 (structural maintenance of chromosomes flexible hinge domain containing 1; plus strand). Cytogenetic location: 18p11.32.
Variant type: single nucleotide variant.
Coding change: c.3106G>A on transcript NM_015295.3 (MANE Select); coding-DNA position 3106, G replaced by A.
Protein change: p.Val1036Ile; replaces valine 1036 with isoleucine.
Molecular consequence: missense variant.
Genome position (GRCh38, 1-based): chr18:2,732,322, G>A. VCF-style: chr18-2732322-G-A. GRCh37 (hg19) VCF-style: chr18-2732320-G-A.
Other names: c.3106G>A (NM_015295.2); short protein forms V1036I.
Identifiers: ClinVar variation 1384137 (VCV001384137.9), dbSNP rs183236583, ClinGen allele CA8871136.
Genomic context (GRCh38, chr18:2,732,322, plus strand): 5'-TAGAGTTGTAAAGATGTGGCACCTGTGGAGAAGACTATTAAGTTGCTTCCCAGTAGCCAT[G>A]TTGCAAGACTACAAATATTCAGTGTAGAAGGACAAAAGGCAATTCAGATCAAACATCAGG-3'
Protein context (NP_056110.2, residues 1026-1046): KTIKLLPSSH[Val1036Ile]ARLQIFSVEG

ClinVar aggregate classification (germline): Uncertain significance. Review status: criteria provided, multiple submitters, no conflicts (2 of 4 stars). 3 submissions from 3 submitters: Uncertain significance (3). Last evaluated 2025-02-02.

Conditions:
Inborn genetic diseases. Identifiers: MedGen C0950123, MeSH D030342.
Facioscapulohumeral muscular dystrophy 2 (FSHD2). Also called: FSHD2, DIGENIC; MUSCULAR DYSTROPHY, FACIOSCAPULOHUMERAL, TYPE 1B; FACIOSCAPULOHUMERAL MUSCULAR DYSTROPHY 2, DIGENIC. Identifiers: Orphanet 269, MedGen C1834671, MONDO:0008031, OMIM 158901.

Allele frequency attached by ClinVar (database versions not stated): ExAC 0.00002; gnomAD 0.00002 and 0.00003; gnomAD exomes 0.00003; TOPMed 0.00004; 1000 Genomes Project 30x 0.00016; 1000 Genomes Project 0.00020.
gnomAD v4.1: 19 of 1,613,840 alleles (0.0012%); highest among the groups gnomAD compares: Admixed American, 0.022%; no homozygotes.

Submissions (3):

Labcorp Genetics (formerly Invitae), Labcorp
Classification: Uncertain significance for Facioscapulohumeral muscular dystrophy 2. Last evaluated: 2025-02-02. Review status: criteria provided, single submitter. Criteria: Invitae Variant Classification Sherloc (09022015). Collection method: clinical testing. Allele origin: germline.
Comment: This sequence change replaces valine, which is neutral and non-polar, with isoleucine, which is neutral and non-polar, at codon 1036 of the SMCHD1 protein (p.Val1036Ile). This variant is present in population databases (rs183236583, gnomAD 0.02%). This variant has not been reported in the literature in individuals affected with SMCHD1-related conditions. ClinVar contains an entry for this variant (Variation ID: 1384137). Invitae Evidence Modeling of protein sequence and biophysical properties (such as structural, functional, and spatial information, amino acid conservation, physicochemical variation, residue mobility, and thermodynamic stability) indicates that this missense variant is not expected to disrupt SMCHD1 protein function with a negative predictive value of 80%. In summary, the available evidence is currently insufficient to determine the role of this variant in disease. Therefore, it has been classified as a Variant of Uncertain Significance.

Revvity Omics, Revvity
Classification: Uncertain significance. Last evaluated: 2023-07-17. Review status: criteria provided, single submitter. Criteria: ACMG Guidelines, 2015. Collection method: clinical testing. Allele origin: germline.

Ambry Genetics
Classification: Uncertain significance for Inborn genetic diseases. Last evaluated: 2022-11-08. Review status: criteria provided, single submitter. Criteria: Ambry Variant Classification Scheme 2023. Collection method: clinical testing. Allele origin: germline.